The following is an entry in ClinVar:

ClinVar aggregate classification (germline): Likely benign. Review status: criteria provided, multiple submitters, no conflicts (2 of 4 stars). 5 submissions from 5 submitters: Likely benign (5). Last evaluated 2025-04-17.

Conditions:
Arrhythmogenic cardiomyopathy with wooly hair and keratoderma. Also called: Dilated cardiomyopathy with woolly hair and keratoderma; Arrhythmogenic cardiomyopathy with woolly hair and keratoderma; PALMOPLANTAR KERATODERMA WITH LEFT VENTRICULAR CARDIOMYOPATHY AND WOOLLY HAIR; Carvajal syndrome. Identifiers: Orphanet 65282, MedGen C1854063, MONDO:0011581, OMIM 605676.
Arrhythmogenic right ventricular dysplasia 8 (ARVD8). Also called: Arrhythmogenic Right Ventricular Dysplasia/Cardiomyopathy 8; ARRHYTHMOGENIC RIGHT VENTRICULAR DYSPLASIA, FAMILIAL, 8; ARRHYTHMOGENIC RIGHT VENTRICULAR CARDIOMYOPATHY 8. Identifiers: MedGen C1843896, MONDO:0011831, OMIM 607450.
Cardiomyopathy (CMYO). Also called: Cardiomyopathies. Identifiers: Orphanet 167848, MedGen C0878544, MONDO:0004994, HP:0001638. Inheritance: Various modes of inheritance.

Allele frequency attached by ClinVar (database versions not stated): gnomAD below 0.00001 and 0.00001; gnomAD exomes 0.00004 and 0.00006; ExAC 0.00007.

Submissions (5):

Labcorp Genetics (formerly Invitae), Labcorp
Classification: Likely benign for Arrhythmogenic cardiomyopathy with wooly hair and keratoderma; Arrhythmogenic right ventricular dysplasia 8. Last evaluated: 2025-04-17. Review status: criteria provided, single submitter. Criteria: Invitae Variant Classification Sherloc (09022015). Collection method: clinical testing. Allele origin: germline.

Women's Health and Genetics/Laboratory Corporation of America, LabCorp
Classification: Likely benign. Last evaluated: 2022-06-16. Review status: criteria provided, single submitter. Criteria: LabCorp Variant Classification Summary - May 2015. Collection method: clinical testing. Allele origin: germline.

Blueprint Genetics
Classification: Likely benign. Last evaluated: 2021-12-01. Review status: criteria provided, single submitter. Criteria: ACMG Guidelines, 2015. Collection method: clinical testing. Allele origin: germline.

Color Diagnostics, LLC DBA Color Health
Classification: Likely benign for Cardiomyopathy. Last evaluated: 2019-04-14. Review status: criteria provided, single submitter. Criteria: ACMG Guidelines, 2015. Collection method: clinical testing. Allele origin: germline.

Laboratory for Molecular Medicine, Mass General Brigham Personalized Medicine
Classification: Likely benign. Last evaluated: 2012-05-17. Review status: criteria provided, single submitter. Criteria: LMM Criteria. Collection method: clinical testing. Allele origin: germline. Observed: 1 variant allele.
Comment: Leu2774Leu in exon 24 of DSP: This variant is not expected to have clinical sign ificance because it does not alter an amino acid residue and is not located with in the splice consensus sequence. It has been identified in 1 patient with no ad ditional information (ARVC Database). Leu2774Leu in e xon 24 of DSP (allele frequency = n/a)

NM_004415.4(DSP):c.8320C>T (p.Leu2774=)

Gene: DSP (desmoplakin; plus strand). Cytogenetic location: 6p24.3.
Variant type: single nucleotide variant.
Coding change: c.8320C>T on transcript NM_004415.4 (MANE Select); coding-DNA position 8320, C replaced by T.
Protein change: p.Leu2774=; no amino-acid change (leucine 2774 retained).
Molecular consequence: synonymous variant.
Genome position (GRCh38, 1-based): chr6:7,585,582, C>T. VCF-style: chr6-7585582-C-T. GRCh37 (hg19) VCF-style: chr6-7585815-C-T.
Other names: c.6523C>T, p.Leu2175= (NM_001008844.3); c.6991C>T, p.Leu2331= (NM_001319034.2).
Identifiers: ClinVar variation 44964 (VCV000044964.11), dbSNP rs397516964, ClinGen allele CA007465.